The following is an entry in ClinVar:

NM_001317778.2(SFTPC):c.307G>C (p.Val103Leu)

Gene: SFTPC (surfactant protein C; plus strand). Cytogenetic location: 8p21.3.
Variant type: single nucleotide variant.
Coding change: c.307G>C on transcript NM_001317778.2 (MANE Select); coding-DNA position 307, G replaced by C.
Protein change: p.Val103Leu; replaces valine 103 with leucine.
Molecular consequence: missense variant.
Genome position (GRCh38, 1-based): chr8:22,163,185, G>C. VCF-style: chr8-22163185-G-C. GRCh37 (hg19) VCF-style: chr8-22020698-G-C.
Other names: c.307G>C, p.Val103Leu (NM_001172357.2, NM_001172410.2, NM_001317780.2 and 8 more transcripts); c.148G>C, p.Val50Leu (NM_001317779.2, NM_001385660.1); short protein forms V103L, V50L.
Identifiers: ClinVar variation 2735136 (VCV002735136.3), dbSNP rs2538943755, ClinGen allele CA370537482.

ClinVar aggregate classification (germline): Uncertain significance (1 of 4 stars; one submission).

Submission:

Labcorp Genetics (formerly Invitae), Labcorp
Classification: Uncertain significance. Last evaluated: 2023-12-09. Review status: criteria provided, single submitter. Criteria: Invitae Variant Classification Sherloc (09022015). Collection method: clinical testing. Allele origin: germline.
Comment: This sequence change replaces valine, which is neutral and non-polar, with leucine, which is neutral and non-polar, at codon 103 of the SFTPC protein (p.Val103Leu). This variant is not present in population databases (gnomAD no frequency). This missense change has been observed in individual(s) with SFTPC-related conditions (PMID: 22308375). An algorithm developed to predict the effect of missense changes on protein structure and function (PolyPhen-2) suggests that this variant is likely to be tolerated. In summary, the available evidence is currently insufficient to determine the role of this variant in disease. Therefore, it has been classified as a Variant of Uncertain Significance.

Literature cited by the submitters: PubMed 22308375.